The following is an entry in ClinVar:

ClinVar aggregate classification (germline): Uncertain significance (1 of 4 stars; one submission).

Submission:

CeGaT Center for Human Genetics Tuebingen
Classification: Uncertain significance. Last evaluated: 2026-06-01. Review status: criteria provided, single submitter. Criteria: CeGaT Center For Human Genetics Tuebingen Variant Classification Criteria Version 2. Collection method: clinical testing. Allele origin: germline. Affected: yes. Observed: 1 variant allele.
Comment: MYBPC3: PM2, PS4:Supporting

NM_000256.3(MYBPC3):c.1409G>C (p.Arg470Pro)

Gene: MYBPC3 (myosin binding protein C3; minus strand). Cytogenetic location: 11p11.2.
Variant type: single nucleotide variant.
Coding change: c.1409G>C on transcript NM_000256.3 (MANE Select); coding-DNA position 1409, G replaced by C.
Protein change: p.Arg470Pro; replaces arginine 470 with proline.
Molecular consequence: missense variant.
Genome position (GRCh38, 1-based): chr11:47,342,878, C>G on the plus strand (G>C on the coding strand, the complement: MYBPC3 is on the minus strand). VCF-style: chr11-47342878-C-G. GRCh37 (hg19) VCF-style: chr11-47364429-C-G.
Other names: short protein forms R470P.
Identifiers: ClinVar variation 4874124 (VCV004874124.2).